The following is an entry in ClinVar:

NM_001267550.2(TTN):c.21050C>T (p.Thr7017Ile)

Genes: TTN (titin; minus strand), LOC126806428 (BRD4-independent group 4 enhancer GRCh37_chr2:179588362-179589561; plus strand). Cytogenetic location: 2q31.2.
Variant type: single nucleotide variant.
Coding change: c.21050C>T on transcript NM_001267550.2 (MANE Select); coding-DNA position 21050, C replaced by T.
Protein change: p.Thr7017Ile; replaces threonine 7017 with isoleucine.
Molecular consequence: missense variant. On other transcripts: intron variant (3).
Genome position (GRCh38, 1-based): chr2:178,724,325, G>A on the plus strand (C>T on the coding strand, the complement: TTN is on the minus strand). VCF-style: chr2-178724325-G-A. GRCh37 (hg19) VCF-style: chr2-179589052-G-A.
Other names: c.20099C>T, p.Thr6700Ile (NM_001256850.1); c.17318C>T, p.Thr5773Ile (NM_133378.4); c.13282+13757C>T (NM_003319.4); c.13858+13757C>T (NM_133437.4); c.13657+13757C>T (NM_133432.3); short protein forms T5773I, T7017I, T6700I.
Identifiers: ClinVar variation 498563 (VCV000498563.6), dbSNP rs893338987, ClinGen allele CA60974402.

ClinVar aggregate classification (germline): Uncertain significance. Review status: criteria provided, multiple submitters, no conflicts (2 of 4 stars). 2 submissions from 2 submitters: Uncertain significance (2). Last evaluated 2022-06-09.

Allele frequency attached by ClinVar (database versions not stated): gnomAD exomes below 0.00001 and 0.00001; TOPMed 0.00001; gnomAD 0.00002.
gnomAD v4.1: 11 of 1,613,470 alleles (0.00068%); highest among the groups gnomAD compares: South Asian, 0.0022%; no homozygotes.

Submissions (2):

GeneDx
Classification: Uncertain significance. Last evaluated: 2022-06-09. Review status: criteria provided, single submitter. Criteria: GeneDx Variant Classification Process June 2021. Collection method: clinical testing. Allele origin: germline. Affected: yes.
Comment: Not observed at significant frequency in large population cohorts (gnomAD); Missense variant in a gene in which most reported pathogenic variants are truncating/loss of function; Has not been previously published as pathogenic or benign to our knowledge

Eurofins Ntd Llc (ga)
Classification: Uncertain significance. Last evaluated: 2016-11-29. Review status: criteria provided, single submitter. Criteria: EGL Classification Definitions 2015. Collection method: clinical testing. Allele origin: germline. Observed: 1 variant allele, 1 heterozygote.